The following is an entry in ClinVar:

NM_198334.3(GANAB):c.2465G>A (p.Cys822Tyr)

Gene: GANAB (glucosidase II alpha subunit; minus strand). Cytogenetic location: 11q12.3.
Variant type: single nucleotide variant.
Coding change: c.2465G>A on transcript NM_198334.3 (MANE Select); coding-DNA position 2465, G replaced by A.
Protein change: p.Cys822Tyr; replaces cysteine 822 with tyrosine.
Molecular consequence: missense variant.
Genome position (GRCh38, 1-based): chr11:62,626,617, C>T on the plus strand (G>A on the coding strand, the complement: GANAB is on the minus strand). VCF-style: chr11-62626617-C-T. GRCh37 (hg19) VCF-style: chr11-62394089-C-T.
Other names: c.2189G>A, p.Cys730Tyr (NM_001278192.2); c.2123G>A, p.Cys708Tyr (NM_001278193.2); c.2174G>A, p.Cys725Tyr (NM_001278194.2, NM_001329222.2, NM_001329223.2); c.1742G>A, p.Cys581Tyr (NM_001329224.2, NM_001329225.2); c.2531G>A, p.Cys844Tyr (NM_198335.4); short protein forms C730Y, C581Y, C708Y, C725Y, C822Y, C844Y.
Identifiers: ClinVar variation 4702197 (VCV004702197.1).
Genomic context (GRCh38, chr11:62,626,617, plus strand): 5'-GCCTATGCACTTACCTGAGGGCTAAGTGCAACAAAGAGAGTGATGGGGTCATCCTTCATA[C>T]ATTCTGAAGACCGCCGCACTCGCATCCATCGAGGCACGATTGTCCCTCCACGCTGGAACA-3'
Protein context (NP_938148.1, residues 812-832): RWMRVRRSSE[Cys822Tyr]MKDDPITLFV

ClinVar aggregate classification (germline): Uncertain significance (1 of 4 stars; one submission).

gnomAD v4.1: 2 of 1,612,324 alleles (0.00012%); highest among the groups gnomAD compares: Non-Finnish European, 0.00017%; no homozygotes.

Submission:

Labcorp Genetics (formerly Invitae), Labcorp
Classification: Uncertain significance. Last evaluated: 2025-06-14. Review status: criteria provided, single submitter. Criteria: Invitae Variant Classification Sherloc (09022015). Collection method: clinical testing. Allele origin: germline.
Comment: This sequence change replaces cysteine, which is neutral and slightly polar, with tyrosine, which is neutral and polar, at codon 844 of the GANAB protein (p.Cys844Tyr). This variant is not present in population databases (gnomAD no frequency). This variant has not been reported in the literature in individuals affected with GANAB-related conditions. Invitae Evidence Modeling of protein sequence and biophysical properties (such as structural, functional, and spatial information, amino acid conservation, physicochemical variation, residue mobility, and thermodynamic stability) indicates that this missense variant is not expected to disrupt GANAB protein function with a negative predictive value of 80%. In summary, the available evidence is currently insufficient to determine the role of this variant in disease. Therefore, it has been classified as a Variant of Uncertain Significance.